The following is an entry in ClinVar:

ClinVar aggregate classification (germline): Uncertain significance (1 of 4 stars; one submission).

Conditions:
Hypertrophic cardiomyopathy. Also called: HYPERTROPHIC MYOCARDIOPATHY. Identifiers: Orphanet 217569, MedGen C0007194, MeSH D002312, MONDO:0005045, HP:0001639.

gnomAD v4.1: 1 of 1,605,406 alleles (0.000062%); highest among the groups gnomAD compares: Admixed American, 0.0017%; no homozygotes.

Submission:

Labcorp Genetics (formerly Invitae), Labcorp
Classification: Uncertain significance for Hypertrophic cardiomyopathy. Last evaluated: 2025-09-27. Review status: criteria provided, single submitter. Criteria: Invitae Variant Classification Sherloc (09022015). Collection method: clinical testing. Allele origin: germline.
Comment: This sequence change replaces arginine, which is basic and polar, with leucine, which is neutral and non-polar, at codon 331 of the MYOM1 protein (p.Arg331Leu). The frequency data for this variant in the population databases is considered unreliable, as metrics indicate poor data quality at this position in the gnomAD database. This variant has not been reported in the literature in individuals affected with MYOM1-related conditions. Invitae Evidence Modeling of protein sequence and biophysical properties (such as structural, functional, and spatial information, amino acid conservation, physicochemical variation, residue mobility, and thermodynamic stability) indicates that this missense variant is not expected to disrupt MYOM1 protein function with a negative predictive value of 80%. In summary, the available evidence is currently insufficient to determine the role of this variant in disease. Therefore, it has been classified as a Variant of Uncertain Significance.

NM_003803.4(MYOM1):c.992G>T (p.Arg331Leu)

Gene: MYOM1 (myomesin 1; minus strand). Cytogenetic location: 18p11.31.
Variant type: single nucleotide variant.
Coding change: c.992G>T on transcript NM_003803.4 (MANE Select); coding-DNA position 992, G replaced by T.
Protein change: p.Arg331Leu; replaces arginine 331 with leucine.
Molecular consequence: missense variant.
Genome position (GRCh38, 1-based): chr18:3,176,072, C>A on the plus strand (G>T on the coding strand, the complement: MYOM1 is on the minus strand). VCF-style: chr18-3176072-C-A. GRCh37 (hg19) VCF-style: chr18-3176070-C-A.
Other names: c.992G>T, p.Arg331Leu (NM_019856.2); short protein forms R331L.
Identifiers: ClinVar variation 4740747 (VCV004740747.1).